The following is an entry in ClinVar:

ClinVar aggregate classification (germline): Conflicting classifications of pathogenicity. Review status: criteria provided, conflicting classifications (1 of 4 stars). 9 submissions from 9 submitters: Uncertain significance (1); Benign (2); Likely benign (6). Last evaluated 2026-06-22.

Conditions:
Hereditary cancer-predisposing syndrome. Also called: Hereditary Cancer Syndrome; Neoplastic Syndromes, Hereditary; Tumor predisposition; Hereditary neoplastic syndrome. Identifiers: Orphanet 140162, MedGen C0027672, MeSH D009386, MONDO:0015356.
RB1-related disorder. Also called: RB1-related condition.
Retinoblastoma (RB1). Also called: RETINOBLASTOMA, SOMATIC. Identifiers: Orphanet 790, MedGen C0035335, MeSH D012175, MONDO:0008380, OMIM 180200, HP:0009919. Disease mechanism: loss of function. Inheritance: Both sporadic and heritable forms are tested..

Allele frequency attached by ClinVar (database versions not stated): ExAC 0.00004; TOPMed 0.00004; gnomAD 0.00005; gnomAD exomes 0.00005 and 0.00007; 1000 Genomes Project 0.00020; 1000 Genomes Project 30x 0.00031.
gnomAD v4.1: 104 of 1,613,824 alleles (0.0064%); highest among the groups gnomAD compares: Non-Finnish European, 0.0081%; no homozygotes.

Submissions (9):

Myriad Genetics, Inc.
Classification: Likely benign for Retinoblastoma. Last evaluated: 2026-06-22. Review status: criteria provided, single submitter. Criteria: Myriad Autosomal Dominant, Autosomal Recessive and X-Linked Classification Criteria (2023). Collection method: clinical testing. Allele origin: unknown.
Comment: This variant is considered likely benign. This variant has been observed at a population frequency that is significantly greater than expected given the associated disease prevalence and penetrance.

Labcorp Genetics (formerly Invitae), Labcorp
Classification: Benign for Retinoblastoma. Last evaluated: 2026-01-14. Review status: criteria provided, single submitter. Criteria: Invitae Variant Classification Sherloc (09022015). Collection method: clinical testing. Allele origin: germline.

PreventionGenetics, part of Exact Sciences
Classification: Likely benign for RB1-related condition. Last evaluated: 2026-01-07. Review status: criteria provided, single submitter. Criteria: ACMG Guidelines, 2015. Collection method: clinical testing. Allele origin: germline.
Comment: This variant is classified as likely benign based on ACMG/AMP sequence variant interpretation guidelines (Richards et al. 2015 PMID: 25741868, with internal and published modifications).

Women's Health and Genetics/Laboratory Corporation of America, LabCorp
Classification: Likely benign. Last evaluated: 2024-08-26. Review status: criteria provided, single submitter. Criteria: LabCorp Variant Classification Summary - May 2015. Collection method: clinical testing. Allele origin: germline.
Comment: Variant summary: RB1 c.2003G>A (p.Arg668His) results in a non-conservative amino acid change located in the Retinoblastoma-associated protein, B-box domain (IPR002719) of the encoded protein sequence. Three of five in-silico tools predict a damaging effect of the variant on protein function. The variant allele was found at a frequency of 4.8e-05 in 251490 control chromosomes. The observed variant frequency is approximately 1 fold of the estimated maximal expected allele frequency for a pathogenic variant in RB1 causing Retinoblastoma phenotype (4.2e-05). To our knowledge, no occurrence of c.2003G>A in individuals affected with Retinoblastoma and no experimental evidence demonstrating its impact on protein function have been reported. ClinVar contains an entry for this variant (Variation ID: 312292). Based on the evidence outlined above, the variant was classified as likely benign.

GeneDx
Classification: Likely benign. Last evaluated: 2023-03-27. Review status: criteria provided, single submitter. Criteria: GeneDx Variant Classification Process June 2021. Collection method: clinical testing. Allele origin: germline. Affected: yes.
Comment: See Variant Classification Assertion Criteria.

Color Diagnostics, LLC DBA Color Health
Classification: Likely benign for Retinoblastoma. Last evaluated: 2022-05-02. Review status: criteria provided, single submitter. Criteria: ACMG Guidelines, 2015. Collection method: clinical testing. Allele origin: germline.

Ambry Genetics
Classification: Benign for Hereditary cancer-predisposing syndrome. Last evaluated: 2021-09-02. Review status: criteria provided, single submitter. Criteria: Ambry Variant Classification Scheme 2023. Collection method: clinical testing. Allele origin: germline.

Blueprint Genetics
Classification: Likely benign. Last evaluated: 2018-11-09. Review status: criteria provided, single submitter. Criteria: ACMG Guidelines, 2015. Collection method: clinical testing. Allele origin: germline.

Illumina Laboratory Services, Illumina
Classification: Uncertain significance for Retinoblastoma. Last evaluated: 2018-01-12. Review status: criteria provided, single submitter. Criteria: ICSL Variant Classification Criteria 13 December 2019. Collection method: clinical testing. Allele origin: germline.

Literature cited by the submitters: PubMed 30842500 (cited by Ambry Genetics).

NM_000321.3(RB1):c.2003G>A (p.Arg668His)

Gene: RB1 (RB transcriptional corepressor 1; plus strand). Cytogenetic location: 13q14.2.
Variant type: single nucleotide variant.
Coding change: c.2003G>A on transcript NM_000321.3 (MANE Select); coding-DNA position 2003, G replaced by A.
Protein change: p.Arg668His; replaces arginine 668 with histidine.
Molecular consequence: missense variant.
Genome position (GRCh38, 1-based): chr13:48,459,730, G>A. VCF-style: chr13-48459730-G-A. GRCh37 (hg19) VCF-style: chr13-49033866-G-A.
Other names: short protein forms R668H.
Identifiers: ClinVar variation 312292 (VCV000312292.25), dbSNP rs551747882, ClinGen allele CA033741.